The following is an entry in ClinVar:

NM_003119.4(SPG7):c.1324+4224C>T

Gene: SPG7 (SPG7 matrix AAA peptidase subunit, paraplegin; plus strand). Cytogenetic location: 16q24.3.
Variant type: single nucleotide variant.
Coding change: c.1324+4224C>T on transcript NM_003119.4 (MANE Select); 4224 bases into the intron after coding-DNA position 1324, C replaced by T.
Molecular consequence: intron variant. On other transcripts: missense variant (1).
Genome position (GRCh38, 1-based): chr16:89,536,860, C>T. VCF-style: chr16-89536860-C-T. GRCh37 (hg19) VCF-style: chr16-89603268-C-T.
Other names: c.1420C>T, p.Arg474Trp (NM_199367.3); c.1324+4224C>T (NM_001363850.1); short protein forms R474W.
Identifiers: ClinVar variation 3041223 (VCV003041223.9), dbSNP rs75806597, ClinGen allele CA8244107.

ClinVar aggregate classification (germline): Conflicting classifications of pathogenicity. Review status: criteria provided, conflicting classifications (1 of 4 stars). 3 submissions from 3 submitters: Uncertain significance (1); Benign (1). 1 of the submissions does not count toward it. Last evaluated 2025-10-01.

Conditions:
SPG7-related disorder. Also called: SPG7-related condition.

Allele frequency attached by ClinVar (database versions not stated): gnomAD 0.00038; ExAC 0.00042; TOPMed 0.00043; 1000 Genomes Project 0.00200; 1000 Genomes Project 30x 0.00203.
gnomAD v4.1: 325 of 1,614,134 alleles (0.02%); highest among the groups gnomAD compares: East Asian, 0.48%; 3 homozygotes.

Submissions (3):

CeGaT Center for Human Genetics Tuebingen
Classification: Benign. Last evaluated: 2025-10-01. Review status: criteria provided, single submitter. Criteria: CeGaT Center For Human Genetics Tuebingen Variant Classification Criteria Version 2. Collection method: clinical testing. Allele origin: germline. Affected: yes. Observed: 1 variant allele.
Comment: SPG7: BP4, BS1, BS2

Blueprint Genetics
Classification: Uncertain significance. Last evaluated: 2024-10-28. Review status: criteria provided, single submitter. Criteria: ACMG Guidelines, 2015. Collection method: clinical testing. Allele origin: germline.

PreventionGenetics, part of Exact Sciences
Classification: Likely benign for SPG7-related condition. Last evaluated: 2019-05-17. Review status: no assertion criteria provided. Collection method: clinical testing. Allele origin: germline. Not counted in ClinVar's aggregate classification.
Comment: This variant is classified as likely benign based on ACMG/AMP sequence variant interpretation guidelines (Richards et al. 2015 PMID: 25741868, with internal and published modifications).